The following is an entry in ClinVar:

ClinVar aggregate classification (germline): Uncertain significance (1 of 4 stars; one submission).

Conditions:
Myofibrillar myopathy 6. Identifiers: Orphanet 199340, MedGen C2751831, MONDO:0013061, OMIM 612954.
Dilated cardiomyopathy 1HH (CMD1HH). Identifiers: Orphanet 154, MedGen C3151293, MONDO:0013479, OMIM 613881.

gnomAD v4.1: 6 of 1,614,174 alleles (0.00037%); highest among the groups gnomAD compares: African/African-American, 0.0013%; no homozygotes.

Submission:

Labcorp Genetics (formerly Invitae), Labcorp
Classification: Uncertain significance for Dilated cardiomyopathy 1HH; Myofibrillar myopathy 6. Last evaluated: 2024-05-07. Review status: criteria provided, single submitter. Criteria: Invitae Variant Classification Sherloc (09022015). Collection method: clinical testing. Allele origin: germline.
Comment: This sequence change replaces glycine, which is neutral and non-polar, with aspartic acid, which is acidic and polar, at codon 73 of the BAG3 protein (p.Gly73Asp). This variant is not present in population databases (gnomAD no frequency). This variant has not been reported in the literature in individuals affected with BAG3-related conditions. Advanced modeling of protein sequence and biophysical properties (such as structural, functional, and spatial information, amino acid conservation, physicochemical variation, residue mobility, and thermodynamic stability) performed at Invitae indicates that this missense variant is not expected to disrupt BAG3 protein function with a negative predictive value of 80%. In summary, the available evidence is currently insufficient to determine the role of this variant in disease. Therefore, it has been classified as a Variant of Uncertain Significance.

NM_004281.4(BAG3):c.218G>A (p.Gly73Asp)

Gene: BAG3 (BAG cochaperone 3; plus strand). Cytogenetic location: 10q26.11.
Variant type: single nucleotide variant.
Coding change: c.218G>A on transcript NM_004281.4 (MANE Select); coding-DNA position 218, G replaced by A.
Protein change: p.Gly73Asp; replaces glycine 73 with aspartic acid.
Molecular consequence: missense variant.
Genome position (GRCh38, 1-based): chr10:119,669,888, G>A. VCF-style: chr10-119669888-G-A. GRCh37 (hg19) VCF-style: chr10-121429400-G-A.
Other names: short protein forms G73D.
Identifiers: ClinVar variation 3763191 (VCV003763191.2).